The following is an entry in ClinVar:

NM_000222.3(KIT):c.106C>A (p.Pro36Thr)

Gene: KIT (KIT proto-oncogene, receptor tyrosine kinase; plus strand). Cytogenetic location: 4q12.
Variant type: single nucleotide variant.
Coding change: c.106C>A on transcript NM_000222.3 (MANE Select); coding-DNA position 106, C replaced by A.
Protein change: p.Pro36Thr; replaces proline 36 with threonine.
Molecular consequence: missense variant.
Genome position (GRCh38, 1-based): chr4:54,695,550, C>A. VCF-style: chr4-54695550-C-A. GRCh37 (hg19) VCF-style: chr4-55561716-C-A.
Other names: c.106C>A, p.Pro36Thr (NM_001385288.1, NM_001385290.1, NM_001385292.1 and 4 more transcripts); c.106C>A (NM_000222.2); short protein forms P36T.
Identifiers: ClinVar variation 1004598 (VCV001004598.11), dbSNP rs781633384, ClinGen allele CA2923159.

ClinVar aggregate classification (germline): Uncertain significance. Review status: criteria provided, multiple submitters, no conflicts (2 of 4 stars). 2 submissions from 2 submitters: Uncertain significance (2). Last evaluated 2025-07-29.

Conditions:
Hereditary cancer-predisposing syndrome. Also called: Neoplastic Syndromes, Hereditary; Hereditary Cancer Syndrome; Hereditary neoplastic syndrome; Tumor predisposition. Identifiers: Orphanet 140162, MedGen C0027672, MeSH D009386, MONDO:0015356.
Gastrointestinal stromal tumor. Also called: Gastrointestinal stromal tumor, somatic; Gastrointestinal stroma tumor. Identifiers: Orphanet 44890, MedGen C0238198, MeSH D046152, MONDO:0011719, OMIM 606764, HP:0100723.

Allele frequency attached by ClinVar (database versions not stated): TOPMed 0.00001.
gnomAD v4.1: 1 of 1,614,184 alleles (0.000062%); highest among the groups gnomAD compares: Non-Finnish European, 0.000085%; no homozygotes.

Submissions (2):

Labcorp Genetics (formerly Invitae), Labcorp
Classification: Uncertain significance for Gastrointestinal stromal tumor. Last evaluated: 2025-07-29. Review status: criteria provided, single submitter. Criteria: Invitae Variant Classification Sherloc (09022015). Collection method: clinical testing. Allele origin: germline.
Comment: This sequence change replaces proline, which is neutral and non-polar, with threonine, which is neutral and polar, at codon 36 of the KIT protein (p.Pro36Thr). This variant is present in population databases (rs781633384, gnomAD 0.0009%). This variant has not been reported in the literature in individuals affected with KIT-related conditions. ClinVar contains an entry for this variant (Variation ID: 1004598). An algorithm developed to predict the effect of missense changes on protein structure and function (PolyPhen-2) suggests that this variant is likely to be tolerated. In summary, the available evidence is currently insufficient to determine the role of this variant in disease. Therefore, it has been classified as a Variant of Uncertain Significance.

Ambry Genetics
Classification: Uncertain significance for Hereditary cancer-predisposing syndrome. Last evaluated: 2023-02-12. Review status: criteria provided, single submitter. Criteria: Ambry Variant Classification Scheme 2023. Collection method: clinical testing. Allele origin: germline.
Comment: The p.P36T variant (also known as c.106C>A), located in coding exon 2 of the KIT gene, results from a C to A substitution at nucleotide position 106. The proline at codon 36 is replaced by threonine, an amino acid with highly similar properties. This amino acid position is conserved. In addition, this alteration is predicted to be tolerated by in silico analysis. Since supporting evidence is limited at this time, the clinical significance of this alteration remains unclear.